The following is an entry in ClinVar:

ClinVar aggregate classification (germline): Likely benign. Review status: criteria provided, multiple submitters, no conflicts (2 of 4 stars). 5 submissions from 5 submitters: Likely benign (3). 2 of the submissions do not count toward it. Last evaluated 2025-12-01.

Conditions:
Cardiovascular phenotype. Identifiers: MedGen CN230736.
Autosomal recessive limb-girdle muscular dystrophy type 2J (LGMDR10). Also called: MUSCULAR DYSTROPHY, LIMB-GIRDLE, AUTOSOMAL RECESSIVE 10; Limb-girdle muscular dystrophy, type 2J. Identifiers: Orphanet 140922, MedGen C1837342, MONDO:0012127, OMIM 608807.
Dilated cardiomyopathy 1G (CMD1G). Identifiers: Orphanet 154, MedGen C1858763, MONDO:0011400, OMIM 604145.

Allele frequency attached by ClinVar (database versions not stated): TOPMed below 0.00001; ExAC 0.00001; gnomAD exomes 0.00001; gnomAD 0.00003.
gnomAD v4.1: 11 of 1,613,482 alleles (0.00068%); highest among the groups gnomAD compares: Non-Finnish European, 0.00093%; no homozygotes.

Submissions (5):

Labcorp Genetics (formerly Invitae), Labcorp
Classification: Likely benign for Dilated cardiomyopathy 1G; Autosomal recessive limb-girdle muscular dystrophy type 2J. Last evaluated: 2025-12-01. Review status: criteria provided, single submitter. Criteria: Invitae Variant Classification Sherloc (09022015). Collection method: clinical testing. Allele origin: germline.

Ambry Genetics
Classification: Likely benign for Cardiovascular phenotype. Last evaluated: 2023-09-24. Review status: criteria provided, single submitter. Criteria: Ambry Variant Classification Scheme 2023. Collection method: clinical testing. Allele origin: germline.

GeneDx
Classification: Likely benign. Last evaluated: 2018-02-16. Review status: criteria provided, single submitter. Criteria: GeneDx Variant Classification (06012015). Collection method: clinical testing. Allele origin: germline. Affected: yes.
Comment: This variant is considered likely benign or benign based on one or more of the following criteria: it is a conservative change, it occurs at a poorly conserved position in the protein, it is predicted to be benign by multiple in silico algorithms, and/or has population frequency not consistent with disease.

Clinical Genetics DNA and cytogenetics Diagnostics Lab, Erasmus MC, Erasmus Medical Center
Classification: Likely benign. Review status: no assertion criteria provided. Collection method: clinical testing. Allele origin: germline. Affected: yes. Study: VKGL Data-share Consensus. Not counted in ClinVar's aggregate classification.

Clinical Genetics, Academic Medical Center
Classification: Benign. Review status: no assertion criteria provided. Collection method: clinical testing. Allele origin: germline. Affected: yes. Study: VKGL Data-share Consensus. Not counted in ClinVar's aggregate classification.

NM_001267550.2(TTN):c.77601A>G (p.Gln25867=)

Genes: TTN (titin; minus strand), TTN-AS1 (TTN antisense RNA 1; plus strand). Cytogenetic location: 2q31.2.
Variant type: single nucleotide variant.
Coding change: c.77601A>G on transcript NM_001267550.2 (MANE Select); coding-DNA position 77601, A replaced by G.
Protein change: p.Gln25867=; no amino-acid change (glutamine 25867 retained).
Molecular consequence: synonymous variant.
Genome position (GRCh38, 1-based): chr2:178,568,531, T>C on the plus strand (A>G on the coding strand, the complement: TTN is on the minus strand). VCF-style: chr2-178568531-T-C. GRCh37 (hg19) VCF-style: chr2-179433258-T-C.
Other names: c.72678A>G, p.Gln24226= (NM_001256850.1); c.50406A>G, p.Gln16802= (NM_003319.4); c.69897A>G, p.Gln23299= (NM_133378.4); c.50781A>G, p.Gln16927= (NM_133432.3); c.50982A>G, p.Gln16994= (NM_133437.4).
Identifiers: ClinVar variation 515572 (VCV000515572.10), dbSNP rs777276284, ClinGen allele CA1989748.